The following is an entry in ClinVar:

NM_001378477.3(NYX):c.1280A>G (p.Asn427Ser)

Gene: NYX (nyctalopin; plus strand). Cytogenetic location: Xp11.4.
Variant type: single nucleotide variant.
Coding change: c.1280A>G on transcript NM_001378477.3 (MANE Select); coding-DNA position 1280, A replaced by G.
Protein change: p.Asn427Ser; replaces asparagine 427 with serine.
Molecular consequence: missense variant.
Genome position (GRCh38, 1-based): chrX:41,474,748, A>G. VCF-style: chrX-41474748-A-G. GRCh37 (hg19) VCF-style: chrX-41334001-A-G.
Other names: c.1280A>G, p.Asn427Ser (NM_022567.3); short protein forms N427S.
Identifiers: ClinVar variation 2189441 (VCV002189441.4), dbSNP rs1370664927, ClinGen allele CA412993463.

ClinVar aggregate classification (germline): Uncertain significance (1 of 4 stars; one submission).

Allele frequency attached by ClinVar (database versions not stated): gnomAD exomes below 0.00001.
gnomAD v4.1: 1 of 1,193,259 alleles (0.000084%); highest among the groups gnomAD compares: Middle Eastern, 0.024%; no homozygotes.

Submission:

Labcorp Genetics (formerly Invitae), Labcorp
Classification: Uncertain significance. Last evaluated: 2023-01-18. Review status: criteria provided, single submitter. Criteria: Invitae Variant Classification Sherloc (09022015). Collection method: clinical testing. Allele origin: germline.
Comment: This variant has not been reported in the literature in individuals affected with NYX-related conditions. Algorithms developed to predict the effect of missense changes on protein structure and function are either unavailable or do not agree on the potential impact of this missense change (SIFT: "Deleterious"; PolyPhen-2: "Probably Damaging"; Align-GVGD: "Class C0"). In summary, the available evidence is currently insufficient to determine the role of this variant in disease. Therefore, it has been classified as a Variant of Uncertain Significance. This variant is not present in population databases (gnomAD no frequency). This sequence change replaces asparagine, which is neutral and polar, with serine, which is neutral and polar, at codon 432 of the NYX protein (p.Asn432Ser).